The following is an entry in ClinVar:

NM_001288705.3(CSF1R):c.542T>C (p.Met181Thr)

Gene: CSF1R (colony stimulating factor 1 receptor; minus strand). Cytogenetic location: 5q32.
Variant type: single nucleotide variant.
Coding change: c.542T>C on transcript NM_001288705.3 (MANE Select); coding-DNA position 542, T replaced by C.
Protein change: p.Met181Thr; replaces methionine 181 with threonine.
Molecular consequence: missense variant. On other transcripts: non-coding transcript variant (2).
Genome position (GRCh38, 1-based): chr5:150,080,102, A>G on the plus strand (T>C on the coding strand, the complement: CSF1R is on the minus strand). VCF-style: chr5-150080102-A-G. GRCh37 (hg19) VCF-style: chr5-149459665-A-G.
Other names: c.542T>C, p.Met181Thr (NM_001349736.2, NM_001375320.1, NM_005211.4); c.98T>C, p.Met33Thr (NM_001375321.1); short protein forms M181T, M33T.
Identifiers: ClinVar variation 4801562 (VCV004801562.1).
Genomic context (GRCh38, chr5:150,080,102, plus strand): 5'-CCCCACGCACCTTTCTGCACTTTCAGCCGGATGCTGATGGACATCACCTTCCTGCCACCC[A>G]TCAGGGCACTGCATTGATAGTCCTGGCTCTGAATGAACTTGGCCCTGTGGATGGTGAAGC-3'
Protein context (NP_001275634.1, residues 171-191): QSQDYQCSAL[Met181Thr]GGRKVMSISI

ClinVar aggregate classification (germline): Uncertain significance (1 of 4 stars; one submission).

Submission:

Labcorp Genetics (formerly Invitae), Labcorp
Classification: Uncertain significance. Last evaluated: 2026-01-18. Review status: criteria provided, single submitter. Criteria: Invitae Variant Classification Sherloc (09022015). Collection method: clinical testing. Allele origin: germline.
Comment: This sequence change replaces methionine, which is neutral and non-polar, with threonine, which is neutral and polar, at codon 181 of the CSF1R protein (p.Met181Thr). This variant is not present in population databases (gnomAD no frequency). This variant has not been reported in the literature in individuals affected with CSF1R-related conditions. Invitae Evidence Modeling of protein sequence and biophysical properties (such as structural, functional, and spatial information, amino acid conservation, physicochemical variation, residue mobility, and thermodynamic stability) indicates that this missense variant is not expected to disrupt CSF1R protein function with a negative predictive value of 95%. In summary, the available evidence is currently insufficient to determine the role of this variant in disease. Therefore, it has been classified as a Variant of Uncertain Significance.